The following is an entry in ClinVar:

ClinVar aggregate classification (germline): Likely benign (0 of 4 stars; one submission).

Conditions:
ANKRD31-related disorder. Also called: ANKRD31-related condition.

Allele frequency attached by ClinVar (database versions not stated): gnomAD exomes 0.00012; ExAC 0.00022; 1000 Genomes Project 0.00080; ESP Exome Variant Server 0.00088; 1000 Genomes Project 30x 0.00094; gnomAD 0.00123.
gnomAD v4.1: 360 of 1,532,190 alleles (0.023%); highest among the groups gnomAD compares: African/African-American, 0.46%; no homozygotes.

Submission:

PreventionGenetics, part of Exact Sciences
Classification: Likely benign for ANKRD31-related condition. Last evaluated: 2022-10-27. Review status: no assertion criteria provided. Collection method: clinical testing. Allele origin: germline.
Comment: This variant is classified as likely benign based on ACMG/AMP sequence variant interpretation guidelines (Richards et al. 2015 PMID: 25741868, with internal and published modifications).

NM_001372053.1(ANKRD31):c.686C>T (p.Thr229Ile)

Gene: ANKRD31 (ankyrin repeat domain 31; minus strand). Cytogenetic location: 5q13.3.
Variant type: single nucleotide variant.
Coding change: c.686C>T on transcript NM_001372053.1 (MANE Select); coding-DNA position 686, C replaced by T.
Protein change: p.Thr229Ile; replaces threonine 229 with isoleucine.
Molecular consequence: missense variant.
Genome position (GRCh38, 1-based): chr5:75,195,962, G>A on the plus strand (C>T on the coding strand, the complement: ANKRD31 is on the minus strand). VCF-style: chr5-75195962-G-A. GRCh37 (hg19) VCF-style: chr5-74491787-G-A.
Other names: c.686C>T, p.Thr229Ile (NM_001164443.1); short protein forms T229I.
Identifiers: ClinVar variation 3038778 (VCV003038778.2), dbSNP rs139020556, ClinGen allele CA3308273.